The following is an entry in ClinVar:

ClinVar aggregate classification (germline): Uncertain significance (1 of 4 stars; one submission).

Conditions:
Inborn genetic diseases. Identifiers: MedGen C0950123, MeSH D030342.

gnomAD v4.1: 3 of 1,607,330 alleles (0.00019%); highest among the groups gnomAD compares: Non-Finnish European, 0.00026%; no homozygotes.

Submission:

Ambry Genetics
Classification: Uncertain significance for Inborn genetic diseases. Last evaluated: 2024-11-08. Review status: criteria provided, single submitter. Criteria: Ambry Variant Classification Scheme 2023. Collection method: clinical testing. Allele origin: germline.
Comment: The p.L903P variant (also known as c.2708T>C), located in coding exon 21 of the LRRK2 gene, results from a T to C substitution at nucleotide position 2708. The leucine at codon 903 is replaced by proline, an amino acid with similar properties. This amino acid position is conserved. In addition, the in silico prediction for this alteration is inconclusive. Based on the available evidence, the clinical significance of this variant remains unclear.

NM_198578.4(LRRK2):c.2708T>C (p.Leu903Pro)

Gene: LRRK2 (leucine rich repeat kinase 2; plus strand). Cytogenetic location: 12q12.
Variant type: single nucleotide variant.
Coding change: c.2708T>C on transcript NM_198578.4 (MANE Select); coding-DNA position 2708, T replaced by C.
Protein change: p.Leu903Pro; replaces leucine 903 with proline.
Molecular consequence: missense variant.
Genome position (GRCh38, 1-based): chr12:40,293,563, T>C. VCF-style: chr12-40293563-T-C. GRCh37 (hg19) VCF-style: chr12-40687365-T-C.
Other names: short protein forms L903P.
Identifiers: ClinVar variation 3540496 (VCV003540496.1).